The following is an entry in ClinVar:

NM_001035.3(RYR2):c.12259T>G (p.Phe4087Val)

Gene: RYR2 (ryanodine receptor 2; plus strand). Cytogenetic location: 1q43.
Variant type: single nucleotide variant.
Coding change: c.12259T>G on transcript NM_001035.3 (MANE Select); coding-DNA position 12259, T replaced by G.
Protein change: p.Phe4087Val; replaces phenylalanine 4087 with valine.
Molecular consequence: missense variant.
Genome position (GRCh38, 1-based): chr1:237,783,971, T>G. VCF-style: chr1-237783971-T-G. GRCh37 (hg19) VCF-style: chr1-237947271-T-G.
Other names: short protein forms F4087V.
Identifiers: ClinVar variation 1697996 (VCV001697996.2), dbSNP rs756334345, ClinGen allele CA345412818.

ClinVar aggregate classification (germline): Uncertain significance (1 of 4 stars; one submission).

Submission:

GeneDx
Classification: Uncertain significance. Last evaluated: 2022-07-07. Review status: criteria provided, single submitter. Criteria: GeneDx Variant Classification Process June 2021. Collection method: clinical testing. Allele origin: germline. Affected: yes.
Comment: Not observed at significant frequency in large population cohorts (gnomAD); In silico analysis supports that this missense variant has a deleterious effect on protein structure/function; Has not been previously published as pathogenic or benign to our knowledge; Located in one of the three hot-spot regions of the RYR2 gene, where the majority of pathogenic missense variants occur (Medeiros-Domingo et al., 2009)